The following is an entry in ClinVar:

ClinVar aggregate classification (germline): Uncertain significance (1 of 4 stars; one submission).

Conditions:
GRID1-associated neurodevelopmental disorder.

Allele frequency attached by ClinVar (database versions not stated): gnomAD exomes below 0.00001; TOPMed below 0.00001.
gnomAD v4.1: 1 of 1,613,602 alleles (0.000062%); highest among the groups gnomAD compares: Non-Finnish European, 0.000085%; no homozygotes.

Submission:

Institute of Human Genetics, University of Leipzig Medical Center
Classification: Uncertain significance for GRID1-associated neurodevelopmental disorder. Last evaluated: 2023-05-08. Review status: criteria provided, single submitter. Criteria: ACMG Guidelines, 2015. Collection method: research. Allele origin: maternal. Affected: yes. Observed: 2 variant alleles, 1 heterozygote, 1 compound heterozygote.
Comment: This variant was identified as compound-heterozygous with NM_017551.2:c.2255C>T

NM_017551.3(GRID1):c.1366A>C (p.Ile456Leu)

Gene: GRID1 (glutamate ionotropic receptor delta type subunit 1; minus strand). Cytogenetic location: 10q23.1.
Variant type: single nucleotide variant.
Coding change: c.1366A>C on transcript NM_017551.3 (MANE Select); coding-DNA position 1366, A replaced by C.
Protein change: p.Ile456Leu; replaces isoleucine 456 with leucine.
Molecular consequence: missense variant.
Genome position (GRCh38, 1-based): chr10:85,728,022, T>G on the plus strand (A>C on the coding strand, the complement: GRID1 is on the minus strand). VCF-style: chr10-85728022-T-G. GRCh37 (hg19) VCF-style: chr10-87487779-T-G.
Other names: short protein forms I456L.
Identifiers: ClinVar variation 2502401 (VCV002502401.1), dbSNP rs1185527979, ClinGen allele CA377768815.